The following is an entry in ClinVar:

ClinVar aggregate classification (germline): Conflicting classifications of pathogenicity. Review status: criteria provided, conflicting classifications (1 of 4 stars). 5 submissions from 5 submitters: Uncertain significance (3); Benign (1); Likely benign (1). Last evaluated 2025-10-24.

Conditions:
Collagen 6-related myopathy. Identifiers: MedGen CN117976, MONDO:0100225.
Bethlem myopathy 1A. Also called: MYOPATHY, BENIGN CONGENITAL, WITH CONTRACTURES; Bethlem myopathy 1; Bethlem Muscular Dystrophy. Identifiers: Orphanet 610, MedGen CN029274, MONDO:0024530, OMIM 158810.

Allele frequency attached by ClinVar (database versions not stated): gnomAD exomes 0.00004 and 0.00011; ExAC 0.00015; ESP Exome Variant Server 0.00077; 1000 Genomes Project 0.00020; gnomAD 0.00053 and 0.00058; TOPMed 0.00064; 1000 Genomes Project 30x 0.00016.
gnomAD v4.1: 136 of 1,614,146 alleles (0.0084%); highest among the groups gnomAD compares: African/African-American, 0.17%; no homozygotes.

Submissions (5):

Labcorp Genetics (formerly Invitae), Labcorp
Classification: Likely benign for Bethlem myopathy 1A. Last evaluated: 2025-10-24. Review status: criteria provided, single submitter. Criteria: Invitae Variant Classification Sherloc (09022015). Collection method: clinical testing. Allele origin: germline.

GeneDx
Classification: Uncertain significance. Last evaluated: 2022-10-31. Review status: criteria provided, single submitter. Criteria: GeneDx Variant Classification Process June 2021. Collection method: clinical testing. Allele origin: germline. Affected: yes.
Comment: Reported with a second variant in the COL6A3 gene in a patient with motor delay, muscle weakness, contractures, and respiratory failure in published literature; however, segregation information was not provided (Verma et al., 2018); In silico analysis supports that this missense variant does not alter protein structure/function; This variant is associated with the following publications: (PMID: 29465610)

Revvity Omics, Revvity
Classification: Uncertain significance. Last evaluated: 2021-11-17. Review status: criteria provided, single submitter. Criteria: ACMG Guidelines, 2015. Collection method: clinical testing. Allele origin: germline.

Eurofins Ntd Llc (ga)
Classification: Uncertain significance. Last evaluated: 2018-08-31. Review status: criteria provided, single submitter. Criteria: EGL ClinVar v180209 classification definitions. Collection method: clinical testing. Allele origin: germline. Observed: 9 variant alleles, 9 heterozygotes.

Illumina Laboratory Services, Illumina
Classification: Benign for Collagen VI-related myopathy. Last evaluated: 2018-01-12. Review status: criteria provided, single submitter. Criteria: ICSL Variant Classification Criteria 13 December 2019. Collection method: clinical testing. Allele origin: germline.
Comment: This variant was observed in the ICSL laboratory as part of a predisposition screen in an ostensibly healthy population. It had not been previously curated by ICSL or reported in the Human Gene Mutation Database (HGMD: prior to June 1st, 2018), and was therefore a candidate for classification through an automated scoring system. Utilizing variant allele frequency, disease prevalence and penetrance estimates, and inheritance mode, an automated score was calculated to assess if this variant is too frequent to cause the disease. Based on the score and internal cut-off values, a variant classified as benign is not then subjected to further curation. The score for this variant resulted in a classification of benign for this disease.

NM_004369.4(COL6A3):c.7685T>C (p.Val2562Ala)

Gene: COL6A3 (collagen type VI alpha 3 chain; minus strand). Cytogenetic location: 2q37.3.
Variant type: single nucleotide variant.
Coding change: c.7685T>C on transcript NM_004369.4 (MANE Select); coding-DNA position 7685, T replaced by C.
Protein change: p.Val2562Ala; replaces valine 2562 with alanine.
Molecular consequence: missense variant.
Genome position (GRCh38, 1-based): chr2:237,342,145, A>G on the plus strand (T>C on the coding strand, the complement: COL6A3 is on the minus strand). VCF-style: chr2-237342145-A-G. GRCh37 (hg19) VCF-style: chr2-238250788-A-G.
Other names: c.5864T>C, p.Val1955Ala (NM_057166.5); c.7067T>C, p.Val2356Ala (NM_057167.4); short protein forms V1955A, V2356A.
Identifiers: ClinVar variation 94994 (VCV000094994.22), dbSNP rs143631346, ClinGen allele CA222658.